The following is an entry in ClinVar:

ClinVar aggregate classification (germline): Uncertain significance (1 of 4 stars; one submission).

Submission:

GeneDx
Classification: Uncertain significance. Last evaluated: 2025-05-01. Review status: criteria provided, single submitter. Criteria: GeneDx Variant Classification Process June 2021. Collection method: clinical testing. Allele origin: germline. Affected: yes.
Comment: Not observed at significant frequency in large population cohorts (gnomAD); In silico analysis supports that this missense variant has a deleterious effect on protein structure/function; Has not been previously published as pathogenic or benign to our knowledge

NM_000875.5(IGF1R):c.1738T>G (p.Tyr580Asp)

Gene: IGF1R (insulin like growth factor 1 receptor; plus strand). Cytogenetic location: 15q26.3.
Variant type: single nucleotide variant.
Coding change: c.1738T>G on transcript NM_000875.5 (MANE Select); coding-DNA position 1738, T replaced by G.
Protein change: p.Tyr580Asp; replaces tyrosine 580 with aspartic acid.
Molecular consequence: missense variant.
Genome position (GRCh38, 1-based): chr15:98,913,192, T>G. VCF-style: chr15-98913192-T-G. GRCh37 (hg19) VCF-style: chr15-99456421-T-G.
Other names: c.1738T>G, p.Tyr580Asp (NM_001291858.2); short protein forms Y580D.
Identifiers: ClinVar variation 4527880 (VCV004527880.1).